The following is an entry in ClinVar:

NM_020937.4(FANCM):c.2713G>A (p.Glu905Lys)

Gene: FANCM (FA complementation group M; plus strand). Cytogenetic location: 14q21.2.
Variant type: single nucleotide variant.
Coding change: c.2713G>A on transcript NM_020937.4 (MANE Select); coding-DNA position 2713, G replaced by A.
Protein change: p.Glu905Lys; replaces glutamic acid 905 with lysine.
Molecular consequence: missense variant.
Genome position (GRCh38, 1-based): chr14:45,175,467, G>A. VCF-style: chr14-45175467-G-A. GRCh37 (hg19) VCF-style: chr14-45644670-G-A.
Other names: c.2635G>A, p.Glu879Lys (NM_001308133.2); short protein forms E905K, E879K.
Identifiers: ClinVar variation 3512929 (VCV003512929.1).

ClinVar aggregate classification (germline): Uncertain significance (1 of 4 stars; one submission).

Conditions:
Inborn genetic diseases. Identifiers: MedGen C0950123, MeSH D030342.

Submission:

Ambry Genetics
Classification: Uncertain significance for Inborn genetic diseases. Last evaluated: 2024-11-26. Review status: criteria provided, single submitter. Criteria: Ambry Variant Classification Scheme 2023. Collection method: clinical testing. Allele origin: germline.
Comment: The p.E905K variant (also known as c.2713G>A), located in coding exon 14 of the FANCM gene, results from a G to A substitution at nucleotide position 2713. The glutamic acid at codon 905 is replaced by lysine, an amino acid with similar properties. This amino acid position is conserved. In addition, this alteration is predicted to be tolerated by in silico analysis. Based on the available evidence, the clinical significance of this variant remains unclear.